The following is an entry in ClinVar:

ClinVar aggregate classification (germline): Uncertain significance (1 of 4 stars; one submission).

Allele frequency attached by ClinVar (database versions not stated): TOPMed below 0.00001.

Submission:

CeGaT Center for Human Genetics Tuebingen
Classification: Uncertain significance. Last evaluated: 2023-03-01. Review status: criteria provided, single submitter. Criteria: CeGaT Center For Human Genetics Tuebingen Variant Classification Criteria Version 2. Collection method: clinical testing. Allele origin: germline. Affected: yes. Observed: 1 variant allele.
Comment: RNF112: PM2, PP3

NM_007148.5(RNF112):c.1675A>G (p.Met559Val)

Gene: RNF112 (ring finger protein 112; plus strand). Cytogenetic location: 17p11.2.
Variant type: single nucleotide variant.
Coding change: c.1675A>G on transcript NM_007148.5 (MANE Select); coding-DNA position 1675, A replaced by G.
Protein change: p.Met559Val; replaces methionine 559 with valine.
Molecular consequence: missense variant.
Genome position (GRCh38, 1-based): chr17:19,415,954, A>G. VCF-style: chr17-19415954-A-G. GRCh37 (hg19) VCF-style: chr17-19319267-A-G.
Other names: short protein forms M559V.
Identifiers: ClinVar variation 2647562 (VCV002647562.24), dbSNP rs1335850741, ClinGen allele CA398708167.